The following is an entry in ClinVar:

NM_003579.4(RAD54L):c.438C>A (p.Asp146Glu)

Gene: RAD54L (RAD54 like; plus strand). Cytogenetic location: 1p34.1.
Variant type: single nucleotide variant.
Coding change: c.438C>A on transcript NM_003579.4 (MANE Select); coding-DNA position 438, C replaced by A.
Protein change: p.Asp146Glu; replaces aspartic acid 146 with glutamic acid.
Molecular consequence: missense variant. On other transcripts: 5 prime UTR variant (1).
Genome position (GRCh38, 1-based): chr1:46,260,572, C>A. VCF-style: chr1-46260572-C-A. GRCh37 (hg19) VCF-style: chr1-46726244-C-A.
Other names: c.438C>A, p.Asp146Glu (NM_001142548.2); c.-103C>A (NM_001370766.1); short protein forms D146E.
Identifiers: ClinVar variation 3223444 (VCV003223444.1), dbSNP rs2525667442, ClinGen allele CA340184844.

ClinVar aggregate classification (germline): Uncertain significance (1 of 4 stars; one submission).

Submission:

Ambry Genetics
Classification: Uncertain significance. Last evaluated: 2024-02-23. Review status: criteria provided, single submitter. Criteria: Ambry Variant Classification Scheme 2023. Collection method: clinical testing. Allele origin: germline.
Comment: The p.D146E variant (also known as c.438C>A), located in coding exon 6 of the RAD54L gene, results from a C to A substitution at nucleotide position 438. The aspartic acid at codon 146 is replaced by glutamic acid, an amino acid with highly similar properties. This amino acid position is conserved. In addition, the in silico prediction for this alteration is inconclusive. Based on the available evidence, the clinical significance of this alteration remains unclear.